The following is an entry in ClinVar:

NM_006073.4(TRDN):c.424+197T>C

Gene: TRDN (triadin; minus strand). Cytogenetic location: 6q22.31.
Variant type: single nucleotide variant.
Coding change: c.424+197T>C on transcript NM_006073.4 (MANE Select); 197 bases into the intron after coding-DNA position 424, T replaced by C.
Molecular consequence: intron variant.
Genome position (GRCh38, 1-based): chr6:123,547,143, A>G on the plus strand (T>C on the coding strand, the complement: TRDN is on the minus strand). VCF-style: chr6-123547143-A-G. GRCh37 (hg19) VCF-style: chr6-123868288-A-G.
Other names: c.424+197T>C (NM_001251987.2, NM_001256020.2, NM_001256021.2 and 1 more transcripts).
Identifiers: ClinVar variation 674869 (VCV000674869.1), dbSNP rs73536772, ClinGen allele CA147296991.

ClinVar aggregate classification (germline): Benign (1 of 4 stars; one submission).

Allele frequency attached by ClinVar (database versions not stated): 1000 Genomes Project 0.02436; 1000 Genomes Project 30x 0.02514; gnomAD 0.03190 and 0.03357; TOPMed 0.03552.
gnomAD v4.1: 4,839 of 152,136 alleles (3.2%); highest among the groups gnomAD compares: African/African-American, 6.6%; 107 homozygotes.

Submission:

GeneDx
Classification: Benign. Last evaluated: 2018-06-14. Review status: criteria provided, single submitter. Criteria: GeneDx Variant Classification (06012015). Collection method: clinical testing. Allele origin: germline. Affected: yes.
Comment: This variant is considered likely benign or benign based on one or more of the following criteria: it is a conservative change, it occurs at a poorly conserved position in the protein, it is predicted to be benign by multiple in silico algorithms, and/or has population frequency not consistent with disease.